The following is an entry in ClinVar:

ClinVar aggregate classification (germline): Benign/Likely benign. Review status: criteria provided, multiple submitters, no conflicts (2 of 4 stars). 12 submissions from 12 submitters: Benign (5); Likely benign (5). 2 of the submissions do not count toward it. Last evaluated 2026-07-01.

Conditions:
IFT140-related disorder. Also called: IFT140-related condition.
Saldino-Mainzer syndrome (SRTD9). Also called: SHORT-RIB THORACIC DYSPLASIA 9 WITHOUT POLYDACTYLY; CONORENAL SYNDROME; short-rib thoracic dysplasia 9 with or without polydactyly; Renal dysplasia, retinal pigmentary dystrophy, cerebellar ataxia and skeletal dysplasia. Identifiers: Orphanet 140969, MedGen C1849437, MONDO:0009964, OMIM 266920.
Retinitis pigmentosa 80 (RP80). Identifiers: MedGen C4540439, MONDO:0054708, OMIM 617781.
Retinal dystrophy. Also called: Inherited retinal dystrophy. Identifiers: Orphanet 71862, MedGen C0854723, MeSH D058499, MONDO:0019118, HP:0000556.

Allele frequency attached by ClinVar (database versions not stated): gnomAD exomes 0.00040 and 0.00136; gnomAD 0.00050 and 0.00062; TOPMed 0.00091; ExAC 0.00156; 1000 Genomes Project 0.00180; 1000 Genomes Project 30x 0.00203.
gnomAD v4.1: 855 of 1,601,804 alleles (0.053%); highest among the groups gnomAD compares: East Asian, 1.2%; 13 homozygotes.

Submissions (12):

CeGaT Center for Human Genetics Tuebingen
Classification: Likely benign. Last evaluated: 2026-07-01. Review status: criteria provided, single submitter. Criteria: CeGaT Center For Human Genetics Tuebingen Variant Classification Criteria Version 2. Collection method: clinical testing. Allele origin: germline. Affected: yes. Observed: 2 variant alleles.
Comment: IFT140: BP4

Labcorp Genetics (formerly Invitae), Labcorp
Classification: Benign for Saldino-Mainzer syndrome. Last evaluated: 2026-02-01. Review status: criteria provided, single submitter. Criteria: Invitae Variant Classification Sherloc (09022015). Collection method: clinical testing. Allele origin: germline.

PreventionGenetics, part of Exact Sciences
Classification: Likely benign for IFT140-related condition. Last evaluated: 2025-10-15. Review status: criteria provided, single submitter. Criteria: ACMG Guidelines, 2015. Collection method: clinical testing. Allele origin: germline.
Comment: This variant is classified as likely benign based on ACMG/AMP sequence variant interpretation guidelines (Richards et al. 2015 PMID: 25741868, with internal and published modifications).

Blueprint Genetics
Classification: Likely benign. Last evaluated: 2024-11-27. Review status: criteria provided, single submitter. Criteria: ACMG Guidelines, 2015. Collection method: clinical testing. Allele origin: germline.

Dept Of Ophthalmology, Nagoya University
Classification: Benign for Retinal dystrophy. Last evaluated: 2023-10-01. Review status: criteria provided, single submitter. Criteria: Submitter's publication. Collection method: research. Allele origin: germline. Affected: yes.

Women's Health and Genetics/Laboratory Corporation of America, LabCorp
Classification: Likely benign. Last evaluated: 2022-05-03. Review status: criteria provided, single submitter. Criteria: LabCorp Variant Classification Summary - May 2015. Collection method: clinical testing. Allele origin: germline.

Fulgent Genetics
Classification: Likely benign for Saldino-Mainzer syndrome; Retinitis pigmentosa 80. Last evaluated: 2022-04-16. Review status: criteria provided, single submitter. Criteria: ACMG Guidelines, 2015. Collection method: clinical testing. Allele origin: unknown.

Illumina Laboratory Services, Illumina
Classification: Benign for Saldino-Mainzer syndrome. Last evaluated: 2018-01-13. Review status: criteria provided, single submitter. Criteria: ICSL Variant Classification Criteria 13 December 2019. Collection method: clinical testing. Allele origin: germline.
Comment: This variant was observed in the ICSL laboratory as part of a predisposition screen in an ostensibly healthy population. It had not been previously curated by ICSL or reported in the Human Gene Mutation Database (HGMD: prior to June 1st, 2018), and was therefore a candidate for classification through an automated scoring system. Utilizing variant allele frequency, disease prevalence and penetrance estimates, and inheritance mode, an automated score was calculated to assess if this variant is too frequent to cause the disease. Based on the score and internal cut-off values, a variant classified as benign is not then subjected to further curation. The score for this variant resulted in a classification of benign for this disease.

Eurofins Ntd Llc (ga)
Classification: Benign. Last evaluated: 2015-09-24. Review status: criteria provided, single submitter. Criteria: EGL Classification Definitions 2015. Collection method: clinical testing. Allele origin: germline. Observed: 1 variant allele, 1 heterozygote.

Breakthrough Genomics
Classification: Benign. Review status: criteria provided, single submitter. Criteria: ACMG Guidelines, 2015. Collection method: not provided. Allele origin: germline. Inheritance: Autosomal recessive inheritance. Affected: yes.

Clinical Genetics, Academic Medical Center
Classification: Benign. Review status: no assertion criteria provided. Collection method: clinical testing. Allele origin: germline. Affected: yes. Study: VKGL Data-share Consensus. Not counted in ClinVar's aggregate classification.

Genome Diagnostics Laboratory, University Medical Center Utrecht
Classification: Benign. Review status: no assertion criteria provided. Collection method: clinical testing. Allele origin: germline. Affected: yes. Study: VKGL Data-share Consensus. Not counted in ClinVar's aggregate classification.

NM_014714.4(IFT140):c.3988G>A (p.Ala1330Thr)

Gene: IFT140 (intraflagellar transport 140; minus strand). Cytogenetic location: 16p13.3.
Variant type: single nucleotide variant.
Coding change: c.3988G>A on transcript NM_014714.4 (MANE Select); coding-DNA position 3988, G replaced by A.
Protein change: p.Ala1330Thr; replaces alanine 1330 with threonine.
Molecular consequence: missense variant.
Genome position (GRCh38, 1-based): chr16:1,519,933, C>T on the plus strand (G>A on the coding strand, the complement: IFT140 is on the minus strand). VCF-style: chr16-1519933-C-T. GRCh37 (hg19) VCF-style: chr16-1569934-C-T.
Other names: short protein forms A1330T.
Identifiers: ClinVar variation 196179 (VCV000196179.30), dbSNP rs200699325, ClinGen allele CA243044.